The following is an entry in ClinVar:

NM_005219.5(DIAPH1):c.461C>T (p.Ser154Leu)

Gene: DIAPH1 (diaphanous related formin 1; minus strand). Cytogenetic location: 5q31.3.
Variant type: single nucleotide variant.
Coding change: c.461C>T on transcript NM_005219.5 (MANE Select); coding-DNA position 461, C replaced by T.
Protein change: p.Ser154Leu; replaces serine 154 with leucine.
Molecular consequence: missense variant.
Genome position (GRCh38, 1-based): chr5:141,583,557, G>A on the plus strand (C>T on the coding strand, the complement: DIAPH1 is on the minus strand). VCF-style: chr5-141583557-G-A. GRCh37 (hg19) VCF-style: chr5-140963124-G-A.
Other names: c.461C>T (NM_005219.4); c.434C>T, p.Ser145Leu (NM_001079812.3); c.461C>T, p.Ser154Leu (NM_001314007.2); short protein forms S145L, S154L.
Identifiers: ClinVar variation 3748822 (VCV003748822.3).

ClinVar aggregate classification (germline): Uncertain significance. Review status: criteria provided, multiple submitters, no conflicts (2 of 4 stars). 2 submissions from 2 submitters: Uncertain significance (2). Last evaluated 2025-06-02.

Conditions:
Progressive microcephaly-seizures-cortical blindness-developmental delay syndrome. Also called: Seizures, cortical blindness, and microcephaly syndrome. Identifiers: Orphanet 477814, MedGen C5567650, MONDO:0014714, OMIM 616632.
Autosomal dominant nonsyndromic hearing loss 1. Also called: KONIGSMARK SYNDROME; DEAFNESS, AUTOSOMAL DOMINANT 1, WITH OR WITHOUT THROMBOCYTOPENIA. Identifiers: Orphanet 90635, MedGen C1852282, MONDO:0007424, OMIM 124900.

gnomAD v4.1: 2 of 1,614,076 alleles (0.00012%); highest among the groups gnomAD compares: African/African-American, 0.0027%; no homozygotes.

Submissions (2):

GeneDx
Classification: Uncertain significance. Last evaluated: 2025-06-02. Review status: criteria provided, single submitter. Criteria: GeneDx Variant Classification Process June 2021. Collection method: clinical testing. Allele origin: germline. Affected: yes.
Comment: Not observed at significant frequency in large population cohorts (gnomAD); In silico analysis supports that this missense variant has a deleterious effect on protein structure/function; Has not been previously published as pathogenic or benign to our knowledge

Labcorp Genetics (formerly Invitae), Labcorp
Classification: Uncertain significance for Progressive microcephaly-seizures-cortical blindness-developmental delay syndrome; Autosomal dominant nonsyndromic hearing loss 1. Last evaluated: 2024-09-08. Review status: criteria provided, single submitter. Criteria: Invitae Variant Classification Sherloc (09022015). Collection method: clinical testing. Allele origin: germline.
Comment: This sequence change replaces serine, which is neutral and polar, with leucine, which is neutral and non-polar, at codon 154 of the DIAPH1 protein (p.Ser154Leu). This variant is not present in population databases (gnomAD no frequency). This variant has not been reported in the literature in individuals affected with DIAPH1-related conditions. Experimental studies and prediction algorithms are not available or were not evaluated, and the functional significance of this variant is currently unknown. In summary, the available evidence is currently insufficient to determine the role of this variant in disease. Therefore, it has been classified as a Variant of Uncertain Significance.